The following is an entry in ClinVar:

ClinVar aggregate classification (germline): Uncertain significance. Review status: criteria provided, multiple submitters, no conflicts (2 of 4 stars). 4 submissions from 4 submitters: Uncertain significance (3). 1 of the submissions does not count toward it. Last evaluated 2026-04-13.

Conditions:
Lewy body dementia (DLB). Also called: Lewy Body Disease. Identifiers: MedGen C0752347, MONDO:0007488, OMIM 127750.
Gaucher disease-ophthalmoplegia-cardiovascular calcification syndrome. Also called: GAUCHER DISEASE, TYPE IIIC. Identifiers: Orphanet 2072, MedGen C1856476, MONDO:0009268, OMIM 231005.
Gaucher disease type I (GD1). Also called: GD 1; ACID BETA-GLUCOSIDASE DEFICIENCY; Gaucher's disease, type 1; Type 1 Gaucher Disease; GAUCHER DISEASE, NONCEREBRAL JUVENILE; GBA DEFICIENCY. Identifiers: Orphanet 355, Orphanet 77259, MedGen C1961835, MONDO:0009265, OMIM 230800.
Gaucher disease type II (GD2). Also called: Acute neuronopathic Gaucher's disease; Type 2 Gaucher disease (Acute; Infantile); GAUCHER DISEASE, ACUTE NEURONOPATHIC TYPE; GD II. Identifiers: Orphanet 77260, MedGen C0268250, MONDO:0009266, OMIM 230900.
Gaucher disease type III. Also called: Gaucher Disease, Type 3; Subacute neuronopathic Gaucher's disease; Type 3 Gaucher disease (Subacute; Juvenile); GAUCHER DISEASE, CHRONIC NEURONOPATHIC TYPE; GAUCHER DISEASE, JUVENILE AND ADULT, CEREBRAL; GAUCHER DISEASE, SUBACUTE NEURONOPATHIC TYPE. Identifiers: Orphanet 355, Orphanet 77261, MedGen C0268251, MONDO:0009267, OMIM 231000.
Gaucher disease perinatal lethal. Also called: Gaucher disease collodion type; Gaucher Disease, Perinatal-Lethal Form. Identifiers: Orphanet 85212, MedGen C1842704, MONDO:0011945, OMIM 608013.
Parkinson disease, late-onset (PD). Also called: Susceptibility to Parkinson's Disease; PARKINSON DISEASE, LATE-ONSET, SUSCEPTIBILITY TO; Hereditary late onset Parkinson disease. Identifiers: Orphanet 411602, MedGen C3160718, MONDO:0008199, OMIM 168600.
Hepatoblastoma. Identifiers: Orphanet 449, MedGen C0206624, MONDO:0018666, HP:0002884.

Allele frequency attached by ClinVar (database versions not stated): gnomAD exomes 0.00007 and 0.00027; ExAC 0.00030; 1000 Genomes Project 30x 0.00078; 1000 Genomes Project 0.00080; gnomAD 0.00086 and 0.00091; TOPMed 0.00087; ESP Exome Variant Server 0.00108.
gnomAD v4.1: 235 of 1,614,128 alleles (0.015%); highest among the groups gnomAD compares: African/African-American, 0.28%; no homozygotes.

Submissions (4):

Women's Health and Genetics/Laboratory Corporation of America, LabCorp
Classification: Uncertain significance. Last evaluated: 2026-04-13. Review status: criteria provided, single submitter. Criteria: LabCorp Variant Classification Summary - May 2015. Collection method: clinical testing. Allele origin: germline.
Comment: Variant summary: GBA1 c.1200G>A (p.Met400Ile) results in a conservative amino acid change located in the Glycosyl hydrolase family 30, TIM-barrel domain (IPR033453) of the encoded protein sequence. Algorithms developed to predict the effect of missense changes on protein structure and function are either unavailable or do not agree on the potential impact of this missense change. The variant was absent in 282726 control chromosomes. The available data on variant occurrences in the general population are insufficient to allow any conclusion about variant significance. c.1200G>A has been reported in individuals affected with Gaucher Disease and Parkinson disease (Filocamo_2002, Siebert_2013, DiFonzo_2023). These report(s) do not provide unequivocal conclusions about association of the variant with Gaucher Disease. To our knowledge, no experimental evidence demonstrating an impact on protein function has been reported. The following publications have been ascertained in the context of this evaluation (PMID: 35495172, 21228398, 37750340, 12204005, 23430543). ClinVar contains an entry for this variant (Variation ID: 1210413). Based on the evidence outlined above, the variant was classified as uncertain significance.

Fulgent Genetics
Classification: Uncertain significance for Lewy body dementia; Parkinson disease, late-onset; Gaucher disease type I; Gaucher disease type II; Gaucher disease type III; Gaucher disease-ophthalmoplegia-cardiovascular calcification syndrome; Gaucher disease perinatal lethal. Last evaluated: 2022-03-07. Review status: criteria provided, single submitter. Criteria: ACMG Guidelines, 2015. Collection method: clinical testing. Allele origin: unknown.

Genome-Nilou Lab
Classification: Uncertain significance for Gaucher disease type I. Last evaluated: 2021-07-22. Review status: criteria provided, single submitter. Criteria: ACMG Guidelines, 2015. Collection method: clinical testing. Allele origin: germline. Affected: no.

Molecular Oncology -  Human Genetics Lab, University of Sao Paulo
Classification: Likely pathogenic for Hepatoblastoma. Review status: no assertion criteria provided. Collection method: research. Allele origin: germline. Affected: yes. Not counted in ClinVar's aggregate classification.

Literature cited by the submitters: PubMed 21228398 (cited by Women's Health and Genetics/Laboratory Corporation of America, LabCorp); PubMed 23430543 (cited by Women's Health and Genetics/Laboratory Corporation of America, LabCorp); PubMed 12204005 (cited by Women's Health and Genetics/Laboratory Corporation of America, LabCorp); PubMed 35495172 (cited by Women's Health and Genetics/Laboratory Corporation of America, LabCorp); PubMed 37750340 (cited by Women's Health and Genetics/Laboratory Corporation of America, LabCorp).

NM_000157.4(GBA1):c.1200G>A (p.Met400Ile)

Genes: GBA1 (glucosylceramidase beta 1; minus strand), LOC106627981 (GBA recombination region; plus strand). Cytogenetic location: 1q22.
Variant type: single nucleotide variant.
Coding change: c.1200G>A on transcript NM_000157.4 (MANE Select); coding-DNA position 1200, G replaced by A.
Protein change: p.Met400Ile; replaces methionine 400 with isoleucine.
Molecular consequence: missense variant.
Genome position (GRCh38, 1-based): chr1:155,236,269, C>T on the plus strand (G>A on the coding strand, the complement: GBA1 is on the minus strand). VCF-style: chr1-155236269-C-T. GRCh37 (hg19) VCF-style: chr1-155206060-C-T.
Other names: c.1200G>A, p.Met400Ile (NM_001005741.3, NM_001005742.3); c.939G>A, p.Met313Ile (NM_001171811.2); c.1053G>A, p.Met351Ile (NM_001171812.2); c.1200G>A (NM_000157.3); short protein forms M313I, M351I, M400I.
Identifiers: ClinVar variation 1210413 (VCV001210413.10), dbSNP rs149487315, ClinGen allele CA1141603.
Genomic context (GRCh38, chr1:155,236,269, plus strand): 5'-GTCTGCTTTGCAGGAAGGGAGACTGGGGTGGCTTACCGTGATGATGCTGTGGCTGTACTG[C>T]ATCCCTCGATCCCAGGAGCCTAGCCGCACACTCTGCTCCCAGAACTTGGAGCCCACACAG-3'
Protein context (NP_000148.2, residues 390-410): SVRLGSWDRG[Met400Ile]QYSHSIITNL